The following is an entry in ClinVar:

ClinVar aggregate classification (germline): Uncertain significance (1 of 4 stars; one submission).

Conditions:
Ullrich congenital muscular dystrophy 2 (UCMD2). Identifiers: Orphanet 75840, MedGen C4225314, MONDO:0014654, OMIM 616470.
Bethlem myopathy 2 (BTHLM2). Identifiers: Orphanet 536516, Orphanet 610, MedGen C4225313, MONDO:0034022, OMIM 616471.

Allele frequency attached by ClinVar (database versions not stated): gnomAD exomes below 0.00001.
gnomAD v4.1: 1 of 1,613,604 alleles (0.000062%); highest among the groups gnomAD compares: South Asian, 0.0011%; no homozygotes.

Submission:

Labcorp Genetics (formerly Invitae), Labcorp
Classification: Uncertain significance for Bethlem myopathy 2; Ullrich congenital muscular dystrophy 2. Last evaluated: 2022-10-18. Review status: criteria provided, single submitter. Criteria: Invitae Variant Classification Sherloc (09022015). Collection method: clinical testing. Allele origin: germline.
Comment: In summary, the available evidence is currently insufficient to determine the role of this variant in disease. Therefore, it has been classified as a Variant of Uncertain Significance. This sequence change replaces isoleucine, which is neutral and non-polar, with valine, which is neutral and non-polar, at codon 305 of the COL12A1 protein (p.Ile305Val). This variant is not present in population databases (gnomAD no frequency). This variant has not been reported in the literature in individuals affected with COL12A1-related conditions. ClinVar contains an entry for this variant (Variation ID: 935966). Advanced modeling of protein sequence and biophysical properties (such as structural, functional, and spatial information, amino acid conservation, physicochemical variation, residue mobility, and thermodynamic stability) has been performed at Invitae for this missense variant, however the output from this modeling did not meet the statistical confidence thresholds required to predict the impact of this variant on COL12A1 protein function.

NM_004370.6(COL12A1):c.913A>G (p.Ile305Val)

Gene: COL12A1 (collagen type XII alpha 1 chain; minus strand). Cytogenetic location: 6q13.
Variant type: single nucleotide variant.
Coding change: c.913A>G on transcript NM_004370.6 (MANE Select); coding-DNA position 913, A replaced by G.
Protein change: p.Ile305Val; replaces isoleucine 305 with valine.
Molecular consequence: missense variant. On other transcripts: intron variant (1).
Genome position (GRCh38, 1-based): chr6:75,188,446, T>C on the plus strand (A>G on the coding strand, the complement: COL12A1 is on the minus strand). VCF-style: chr6-75188446-T-C. GRCh37 (hg19) VCF-style: chr6-75898162-T-C.
Other names: c.73+14274A>G (NM_080645.3); short protein forms I305V.
Identifiers: ClinVar variation 935966 (VCV000935966.10), dbSNP rs1769746949, ClinGen allele CA364727567.
Genomic context (GRCh38, chr6:75,188,446, plus strand): 5'-CAAGTTGTTCATCAACACCTGAGCACACCTGGGAGATGATCTCATTCTGAATATCCACAA[T>C]TGCATCAAAGTTGGCCACATTGAAAACATGGTTCAGTGAAGGTGTGGAGGCAATTTGTTT-3'
Protein context (NP_004361.3, residues 295-315): HVFNVANFDA[Ile305Val]VDIQNEIISQ